The following is an entry in ClinVar:

ClinVar aggregate classification (germline): Uncertain significance (1 of 4 stars; one submission).

Conditions:
Hereditary cancer-predisposing syndrome. Also called: Neoplastic Syndromes, Hereditary; Tumor predisposition; Hereditary Cancer Syndrome; Hereditary neoplastic syndrome. Identifiers: Orphanet 140162, MedGen C0027672, MeSH D009386, MONDO:0015356.

Submission:

Ambry Genetics
Classification: Uncertain significance for Hereditary cancer-predisposing syndrome. Last evaluated: 2021-09-15. Review status: criteria provided, single submitter. Criteria: Ambry Variant Classification Scheme 2023. Collection method: clinical testing. Allele origin: germline.
Comment: The p.T1385S variant (also known as c.4153A>T), located in coding exon 21 of the BLM gene, results from an A to T substitution at nucleotide position 4153. The threonine at codon 1385 is replaced by serine, an amino acid with similar properties. This amino acid position is conserved. In addition, this alteration is predicted to be tolerated by in silico analysis. Since supporting evidence is limited at this time, the clinical significance of this alteration remains unclear.

NM_000057.4(BLM):c.4153A>T (p.Thr1385Ser)

Gene: BLM (BLM RecQ like helicase; plus strand). Cytogenetic location: 15q26.1.
Variant type: single nucleotide variant.
Coding change: c.4153A>T on transcript NM_000057.4 (MANE Select); coding-DNA position 4153, A replaced by T.
Protein change: p.Thr1385Ser; replaces threonine 1385 with serine.
Molecular consequence: missense variant.
Genome position (GRCh38, 1-based): chr15:90,815,178, A>T. VCF-style: chr15-90815178-A-T. GRCh37 (hg19) VCF-style: chr15-91358408-A-T.
Other names: c.4153A>T, p.Thr1385Ser (NM_001287246.2); c.3760A>T, p.Thr1254Ser (NM_001287247.2); c.3028A>T, p.Thr1010Ser (NM_001287248.2); short protein forms T1010S, T1385S, T1254S.
Identifiers: ClinVar variation 1738279 (VCV001738279.2), dbSNP rs1382270916, ClinGen allele CA393852363.